The following is an entry in ClinVar:

ClinVar aggregate classification (germline): Uncertain significance (1 of 4 stars; one submission).

Conditions:
Emery-Dreifuss muscular dystrophy 5, autosomal dominant (EDMD5). Also called: EMERY-DREIFUSS MUSCULAR DYSTROPHY 5. Identifiers: Orphanet 261, MedGen C2751805, MONDO:0013072, OMIM 612999.

Allele frequency attached by ClinVar (database versions not stated): gnomAD exomes 0.00001; TOPMed 0.00001; gnomAD 0.00005 and 0.00006.
gnomAD v4.1: 41 of 1,612,748 alleles (0.0025%); highest among the groups gnomAD compares: Non-Finnish European, 0.0034%; no homozygotes.

Submission:

Labcorp Genetics (formerly Invitae), Labcorp
Classification: Uncertain significance for Emery-Dreifuss muscular dystrophy 5, autosomal dominant. Last evaluated: 2025-12-18. Review status: criteria provided, single submitter. Criteria: Invitae Variant Classification Sherloc (09022015). Collection method: clinical testing. Allele origin: germline.
Comment: This sequence change replaces threonine, which is neutral and polar, with arginine, which is basic and polar, at codon 99 of the SYNE2 protein (p.Thr99Arg). This variant is present in population databases (rs557215551, gnomAD 0.004%). This variant has not been reported in the literature in individuals affected with SYNE2-related conditions. ClinVar contains an entry for this variant (Variation ID: 962148). An algorithm developed to predict the effect of missense changes on protein structure and function outputs the following: PolyPhen-2: "Benign". The arginine amino acid residue is found in multiple mammalian species, which suggests that this missense change does not adversely affect protein function. In summary, the available evidence is currently insufficient to determine the role of this variant in disease. Therefore, it has been classified as a Variant of Uncertain Significance.

NM_182914.3(SYNE2):c.296C>G (p.Thr99Arg)

Gene: SYNE2 (spectrin repeat containing nuclear envelope protein 2; plus strand). Cytogenetic location: 14q23.2.
Variant type: single nucleotide variant.
Coding change: c.296C>G on transcript NM_182914.3 (MANE Select); coding-DNA position 296, C replaced by G.
Protein change: p.Thr99Arg; replaces threonine 99 with arginine.
Molecular consequence: missense variant.
Genome position (GRCh38, 1-based): chr14:63,941,943, C>G. VCF-style: chr14-63941943-C-G. GRCh37 (hg19) VCF-style: chr14-64408661-C-G.
Other names: c.296C>G, p.Thr99Arg (NM_015180.6); short protein forms T99R.
Identifiers: ClinVar variation 962148 (VCV000962148.9), dbSNP rs557215551, ClinGen allele CA261795265.
Genomic context (GRCh38, chr14:63,941,943, plus strand): 5'-AGCCTCGGGATAAAGGATCTAATACCTTCCAGTGTAGAATCAATATAGAACATGCCTTGA[C>G]ATTCCTAAGAAACCGATCAGTAAGTATAAATTTTTCTTAAAAATTCACAGGAGAGATTAA-3'
Protein context (NP_878918.2, residues 89-109): QCRINIEHAL[Thr99Arg]FLRNRSIKLI